The following is an entry in ClinVar:

ClinVar aggregate classification (germline): Uncertain significance (1 of 4 stars; one submission).

Allele frequency attached by ClinVar (database versions not stated): ExAC 0.00001; gnomAD 0.00002; TOPMed 0.00002.
gnomAD v4.1: 8 of 1,611,210 alleles (0.0005%); highest among the groups gnomAD compares: South Asian, 0.0044%; no homozygotes.

Submission:

GeneDx
Classification: Uncertain significance. Last evaluated: 2022-06-13. Review status: criteria provided, single submitter. Criteria: GeneDx Variant Classification Process June 2021. Collection method: clinical testing. Allele origin: germline. Affected: yes.
Comment: Not observed at significant frequency in large population cohorts (gnomAD); In silico analysis supports that this missense variant does not alter protein structure/function; Has not been previously published as pathogenic or benign to our knowledge

NM_000601.6(HGF):c.2105G>A (p.Arg702His)

Gene: HGF (hepatocyte growth factor; minus strand). Cytogenetic location: 7q21.11.
Variant type: single nucleotide variant.
Coding change: c.2105G>A on transcript NM_000601.6 (MANE Select); coding-DNA position 2105, G replaced by A.
Protein change: p.Arg702His; replaces arginine 702 with histidine.
Molecular consequence: missense variant.
Genome position (GRCh38, 1-based): chr7:81,702,663, C>T on the plus strand (G>A on the coding strand, the complement: HGF is on the minus strand). VCF-style: chr7-81702663-C-T. GRCh37 (hg19) VCF-style: chr7-81331979-C-T.
Other names: c.2090G>A, p.Arg697His (NM_001010932.3); short protein forms R697H, R702H.
Identifiers: ClinVar variation 1804467 (VCV001804467.1), dbSNP rs763933267, ClinGen allele CA4316713.